The following is an entry in ClinVar:

ClinVar aggregate classification (germline): Uncertain significance (1 of 4 stars; one submission).

gnomAD v4.1: 2 of 1,551,512 alleles (0.00013%); highest among the groups gnomAD compares: African/African-American, 0.0027%; no homozygotes.

Submission:

Labcorp Genetics (formerly Invitae), Labcorp
Classification: Uncertain significance. Last evaluated: 2024-11-19. Review status: criteria provided, single submitter. Criteria: Invitae Variant Classification Sherloc (09022015). Collection method: clinical testing. Allele origin: germline.
Comment: This sequence change replaces lysine, which is basic and polar, with asparagine, which is neutral and polar, at codon 66 of the DTHD1 protein (p.Lys66Asn). This variant is not present in population databases (gnomAD no frequency). This variant has not been reported in the literature in individuals affected with DTHD1-related conditions. An algorithm developed to predict the effect of missense changes on protein structure and function outputs the following: PolyPhen-2: "Benign". The asparagine amino acid residue is found in multiple mammalian species, which suggests that this missense change does not adversely affect protein function. In summary, the available evidence is currently insufficient to determine the role of this variant in disease. Therefore, it has been classified as a Variant of Uncertain Significance.

NM_001170700.3(DTHD1):c.1068G>C (p.Lys356Asn)

Gene: DTHD1 (death domain containing 1; plus strand). Cytogenetic location: 4p14.
Variant type: single nucleotide variant.
Coding change: c.1068G>C on transcript NM_001170700.3 (MANE Select); coding-DNA position 1068, G replaced by C.
Protein change: p.Lys356Asn; replaces lysine 356 with asparagine.
Molecular consequence: missense variant. On other transcripts: non-coding transcript variant (2).
Genome position (GRCh38, 1-based): chr4:36,290,553, G>C. VCF-style: chr4-36290553-G-C. GRCh37 (hg19) VCF-style: chr4-36292175-G-C.
Other names: c.198G>C, p.Lys66Asn (NM_001136536.5, NM_001378435.1); short protein forms K356N, K66N.
Identifiers: ClinVar variation 3605720 (VCV003605720.2).